The following is an entry in ClinVar:

NM_001161352.2(KCNMA1):c.2902G>A (p.Gly968Arg)

Genes: KCNMA1 (potassium calcium-activated channel subfamily M alpha 1; minus strand), KCNMA1-AS1 (KCNMA1 antisense RNA 1; plus strand). Cytogenetic location: 10q22.3.
Variant type: single nucleotide variant.
Coding change: c.2902G>A on transcript NM_001161352.2 (MANE Select); coding-DNA position 2902, G replaced by A.
Protein change: p.Gly968Arg; replaces glycine 968 with arginine.
Molecular consequence: missense variant.
Genome position (GRCh38, 1-based): chr10:76,944,773, C>T on the plus strand (G>A on the coding strand, the complement: KCNMA1 is on the minus strand). VCF-style: chr10-76944773-C-T. GRCh37 (hg19) VCF-style: chr10-78704531-C-T.
Other names: c.2275G>A, p.Gly759Arg (NM_001322838.2); c.2728G>A, p.Gly910Arg (NM_001410940.1, NM_002247.4, NM_001322832.2); c.2740G>A, p.Gly914Arg (NM_001322837.2, NM_001014797.3, NM_001322835.2); c.2851G>A, p.Gly951Arg (NM_001161353.2); c.2578G>A, p.Gly860Arg (NM_001271518.2); c.2737G>A, p.Gly913Arg (NM_001271519.2, NM_001322829.2, NM_001322836.2); c.2749G>A, p.Gly917Arg (NM_001322830.2); short protein forms G759R, G860R, G910R, G913R, G914R, G917R, G951R, G968R.
Identifiers: ClinVar variation 4057062 (VCV004057062.2).

ClinVar aggregate classification (germline): Uncertain significance (1 of 4 stars; one submission).

Submission:

GeneDx
Classification: Uncertain significance. Last evaluated: 2026-02-19. Review status: criteria provided, single submitter. Criteria: GeneDx Variant Classification Process June 2021. Collection method: clinical testing. Allele origin: germline.
Comment: Not observed at significant frequency in large population cohorts (gnomAD); In silico analysis suggests that this missense variant does not alter protein structure/function; Has not been previously published as pathogenic or benign to our knowledge